The following is an entry in ClinVar:

NM_000264.5(PTCH1):c.3663C>T (p.Ser1221=)

Gene: PTCH1 (patched 1; minus strand). Cytogenetic location: 9q22.32.
Variant type: single nucleotide variant.
Coding change: c.3663C>T on transcript NM_000264.5 (MANE Select); coding-DNA position 3663, C replaced by T.
Protein change: p.Ser1221=; no amino-acid change (serine 1221 retained).
Molecular consequence: synonymous variant. On other transcripts: non-coding transcript variant (1).
Genome position (GRCh38, 1-based): chr9:95,449,210, G>A on the plus strand (C>T on the coding strand, the complement: PTCH1 is on the minus strand). VCF-style: chr9-95449210-G-A. GRCh37 (hg19) VCF-style: chr9-98211492-G-A.
Other names: c.3465C>T, p.Ser1155= (NM_001083602.3); c.3660C>T, p.Ser1220= (NM_001083603.3); c.3210C>T, p.Ser1070= (NM_001083604.3, NM_001083605.3, NM_001083606.3 and 1 more transcripts); c.3507C>T, p.Ser1169= (NM_001354918.2).
Identifiers: ClinVar variation 1619705 (VCV001619705.32), dbSNP rs369771223, ClinGen allele CA5138089.

ClinVar aggregate classification (germline): Likely benign. Review status: criteria provided, multiple submitters, no conflicts (2 of 4 stars). 3 submissions from 3 submitters: Likely benign (3). Last evaluated 2025-12-09.

Conditions:
Hereditary cancer-predisposing syndrome. Also called: Hereditary Cancer Syndrome; Neoplastic Syndromes, Hereditary; Hereditary neoplastic syndrome; Tumor predisposition. Identifiers: Orphanet 140162, MedGen C0027672, MeSH D009386, MONDO:0015356.
Gorlin syndrome. Also called: Nevoid Basal Cell Carcinoma Syndrome; Basal cell nevus syndrome. Identifiers: Orphanet 377, MedGen C0004779, MONDO:0007187.

gnomAD v4.1: 33 of 1,602,884 alleles (0.0021%); highest among the groups gnomAD compares: South Asian, 0.011%; no homozygotes.

Submissions (3):

Labcorp Genetics (formerly Invitae), Labcorp
Classification: Likely benign for Gorlin syndrome. Last evaluated: 2025-12-09. Review status: criteria provided, single submitter. Criteria: Invitae Variant Classification Sherloc (09022015). Collection method: clinical testing. Allele origin: germline.

CeGaT Center for Human Genetics Tuebingen
Classification: Likely benign. Last evaluated: 2024-01-01. Review status: criteria provided, single submitter. Criteria: CeGaT Center For Human Genetics Tuebingen Variant Classification Criteria Version 2. Collection method: clinical testing. Allele origin: germline. Affected: yes. Observed: 1 variant allele.
Comment: PTCH1: BP4, BP7

Ambry Genetics
Classification: Likely benign for Hereditary cancer-predisposing syndrome. Last evaluated: 2020-03-15. Review status: criteria provided, single submitter. Criteria: Ambry Variant Classification Scheme 2023. Collection method: clinical testing. Allele origin: germline.